The following is an entry in ClinVar:

NM_000135.4(FANCA):c.2822C>A (p.Pro941His)

Gene: FANCA (FA complementation group A; minus strand). Cytogenetic location: 16q24.3.
Variant type: single nucleotide variant.
Coding change: c.2822C>A on transcript NM_000135.4 (MANE Select); coding-DNA position 2822, C replaced by A.
Protein change: p.Pro941His; replaces proline 941 with histidine.
Molecular consequence: missense variant.
Genome position (GRCh38, 1-based): chr16:89,761,979, G>T on the plus strand (C>A on the coding strand, the complement: FANCA is on the minus strand). VCF-style: chr16-89761979-G-T. GRCh37 (hg19) VCF-style: chr16-89828387-G-T.
Other names: c.2822C>A, p.Pro941His (NM_001286167.3); short protein forms P941H.
Identifiers: ClinVar variation 2179458 (VCV002179458.3), dbSNP rs746735743, ClinGen allele CA8251490.
Genomic context (GRCh38, chr16:89,761,979, plus strand): 5'-CTGGCCAGGGTAGCTCTTTTCAACACTTACCGTTCAGTATCTGAAAGAGCATCAGCTTCA[G>T]GTTGAATTTCCAGCTCCAGGTGTAACCAGTCTTGGTAAGTTAACTGAGAAAGAGAGCAAG-3'
Protein context (NP_000126.2, residues 931-951): DWLHLELEIQ[Pro941His]EADALSDTER

ClinVar aggregate classification (germline): Uncertain significance. Review status: criteria provided, multiple submitters, no conflicts (2 of 4 stars). 3 submissions from 3 submitters: Uncertain significance (3). Last evaluated 2026-02-11.

Conditions:
Inborn genetic diseases. Identifiers: MedGen C0950123, MeSH D030342.
Fanconi anemia (FA). Also called: Fanconi's anemia. Identifiers: Orphanet 84, MedGen C0015625, MeSH D005199, MONDO:0019391.
Fanconi anemia complementation group A (FANCA). Also called: FANCA-Related Fanconi Anemia; Fanconi anemia, group A. Identifiers: Orphanet 84, MedGen C3469521, MONDO:0009215, OMIM 227650.

gnomAD v4.1: 14 of 1,614,054 alleles (0.00087%); highest among the groups gnomAD compares: Non-Finnish European, 0.001%; no homozygotes.

Submissions (3):

St. Jude Molecular Pathology, St. Jude Children's Research Hospital
Classification: Uncertain significance for Fanconi anemia complementation group A. Last evaluated: 2026-02-11. Review status: criteria provided, single submitter. Criteria: St. Jude Assertion Criteria 2020. Collection method: clinical testing. Allele origin: germline.
Comment: The FANCA c.2822C>A p.(Pro941His) missense change has a maximum subpopulation frequency of 0.0009% in gnomAD v2.1.1. The in silico tool REVEL is inconclusive about a pathogenic or benign effect of this variant on protein function, and to our knowledge functional studies have not been performed. To our knowledge, this variant has not been reported in individuals with Fanconi anemia. In summary, the evidence currently available is insufficient to determine the clinical significance of this variant. It has therefore been classified as of uncertain significance.

Ambry Genetics
Classification: Uncertain significance for Inborn genetic diseases. Last evaluated: 2025-04-06. Review status: criteria provided, single submitter. Criteria: Ambry Variant Classification Scheme 2023. Collection method: clinical testing. Allele origin: germline.
Comment: The p.P941H variant (also known as c.2822C>A), located in coding exon 29 of the FANCA gene, results from a C to A substitution at nucleotide position 2822. The proline at codon 941 is replaced by histidine, an amino acid with similar properties. This amino acid position is conserved. In addition, the in silico prediction for this alteration is inconclusive. Based on the available evidence, the clinical significance of this variant remains unclear.

Labcorp Genetics (formerly Invitae), Labcorp
Classification: Uncertain significance for Fanconi anemia. Last evaluated: 2022-03-10. Review status: criteria provided, single submitter. Criteria: Invitae Variant Classification Sherloc (09022015). Collection method: clinical testing. Allele origin: germline.
Comment: This sequence change replaces proline, which is neutral and non-polar, with histidine, which is basic and polar, at codon 941 of the FANCA protein (p.Pro941His). This variant is present in population databases (rs746735743, gnomAD 0.0009%). This variant has not been reported in the literature in individuals affected with FANCA-related conditions. Advanced modeling of protein sequence and biophysical properties (such as structural, functional, and spatial information, amino acid conservation, physicochemical variation, residue mobility, and thermodynamic stability) performed at Invitae indicates that this missense variant is expected to disrupt FANCA protein function. In summary, the available evidence is currently insufficient to determine the role of this variant in disease. Therefore, it has been classified as a Variant of Uncertain Significance.